The following is an entry in ClinVar:

NM_001008212.2(OPTN):c.713T>G (p.Leu238Arg)

Gene: OPTN (optineurin; plus strand). Cytogenetic location: 10p13.
Variant type: single nucleotide variant.
Coding change: c.713T>G on transcript NM_001008212.2 (MANE Select); coding-DNA position 713, T replaced by G.
Protein change: p.Leu238Arg; replaces leucine 238 with arginine.
Molecular consequence: missense variant.
Genome position (GRCh38, 1-based): chr10:13,118,974, T>G. VCF-style: chr10-13118974-T-G. GRCh37 (hg19) VCF-style: chr10-13160974-T-G.
Other names: c.713T>G, p.Leu238Arg (NM_001008211.1, NM_001008213.1, NM_021980.4); short protein forms L238R.
Identifiers: ClinVar variation 4792122 (VCV004792122.1).

ClinVar aggregate classification (germline): Uncertain significance (1 of 4 stars; one submission).

Conditions:
Amyotrophic lateral sclerosis type 12 (ALS12). Also called: AMYOTROPHIC LATERAL SCLEROSIS 12 WITH OR WITHOUT FRONTOTEMPORAL DEMENTIA. Identifiers: Orphanet 803, MedGen C3150692, MONDO:0013264, OMIM 613435.
Primary open angle glaucoma (POAG). Also called: OPTN-related open angle glaucoma. Identifiers: MedGen C0339573, MONDO:0100553, OMIM 137760.
Glaucoma 1, open angle, E. Identifiers: MedGen C1842026, MONDO:0007665.

Submission:

Labcorp Genetics (formerly Invitae), Labcorp
Classification: Uncertain significance for Primary open angle glaucoma; Glaucoma 1, open angle, E; Amyotrophic lateral sclerosis type 12. Last evaluated: 2025-10-14. Review status: criteria provided, single submitter. Criteria: Invitae Variant Classification Sherloc (09022015). Collection method: clinical testing. Allele origin: germline.
Comment: This sequence change replaces leucine, which is neutral and non-polar, with arginine, which is basic and polar, at codon 238 of the OPTN protein (p.Leu238Arg). This variant is not present in population databases (gnomAD no frequency). This variant has not been reported in the literature in individuals affected with OPTN-related conditions. Invitae Evidence Modeling of protein sequence and biophysical properties (such as structural, functional, and spatial information, amino acid conservation, physicochemical variation, residue mobility, and thermodynamic stability) indicates that this missense variant is not expected to disrupt OPTN protein function with a negative predictive value of 80%. In summary, the available evidence is currently insufficient to determine the role of this variant in disease. Therefore, it has been classified as a Variant of Uncertain Significance.